The following is an entry in ClinVar:

NM_003467.3(CXCR4):c.871G>A (p.Ala291Thr)

Gene: CXCR4 (C-X-C motif chemokine receptor 4; minus strand). Cytogenetic location: 2q22.1.
Variant type: single nucleotide variant.
Coding change: c.871G>A on transcript NM_003467.3 (MANE Select); coding-DNA position 871, G replaced by A.
Protein change: p.Ala291Thr; replaces alanine 291 with threonine.
Molecular consequence: missense variant.
Genome position (GRCh38, 1-based): chr2:136,115,057, C>T on the plus strand (G>A on the coding strand, the complement: CXCR4 is on the minus strand). VCF-style: chr2-136115057-C-T. GRCh37 (hg19) VCF-style: chr2-136872627-C-T.
Other names: c.883G>A, p.Ala295Thr (NM_001008540.2); c.1084G>A, p.Ala362Thr (NM_001348056.2); c.970G>A, p.Ala324Thr (NM_001348059.2); c.826G>A, p.Ala276Thr (NM_001348060.2); short protein forms A276T, A291T, A295T, A324T, A362T.
Identifiers: ClinVar variation 1058395 (VCV001058395.9), dbSNP rs2104915846, ClinGen allele CA348657783.

ClinVar aggregate classification (germline): Uncertain significance (1 of 4 stars; one submission).

Conditions:
Warts, hypogammaglobulinemia, infections, and myelokathexis. Also called: WHIM syndrome. Identifiers: MedGen C0472817, MONDO:0023880.

Allele frequency attached by ClinVar (database versions not stated): gnomAD exomes below 0.00001.

Submission:

Labcorp Genetics (formerly Invitae), Labcorp
Classification: Uncertain significance for Warts, hypogammaglobulinemia, infections, and myelokathexis. Last evaluated: 2025-03-20. Review status: criteria provided, single submitter. Criteria: Invitae Variant Classification Sherloc (09022015). Collection method: clinical testing. Allele origin: germline.
Comment: This sequence change replaces alanine, which is neutral and non-polar, with threonine, which is neutral and polar, at codon 291 of the CXCR4 protein (p.Ala291Thr). This variant is not present in population databases (gnomAD no frequency). This variant has not been reported in the literature in individuals affected with CXCR4-related conditions. ClinVar contains an entry for this variant (Variation ID: 1058395). An algorithm developed to predict the effect of missense changes on protein structure and function (PolyPhen-2) suggests that this variant is likely to be disruptive. In summary, the available evidence is currently insufficient to determine the role of this variant in disease. Therefore, it has been classified as a Variant of Uncertain Significance.